The following is an entry in ClinVar:

NM_053025.4(MYLK):c.2077T>C (p.Tyr693His)

Gene: MYLK (myosin light chain kinase; minus strand). Cytogenetic location: 3q21.1.
Variant type: single nucleotide variant.
Coding change: c.2077T>C on transcript NM_053025.4 (MANE Select); coding-DNA position 2077, T replaced by C.
Protein change: p.Tyr693His; replaces tyrosine 693 with histidine.
Molecular consequence: missense variant.
Genome position (GRCh38, 1-based): chr3:123,708,761, A>G on the plus strand (T>C on the coding strand, the complement: MYLK is on the minus strand). VCF-style: chr3-123708761-A-G. GRCh37 (hg19) VCF-style: chr3-123427608-A-G.
Other names: c.1549T>C, p.Tyr517His (NM_001321309.2); c.1870T>C, p.Tyr624His (NM_053026.4, NM_053028.4); c.2077T>C, p.Tyr693His (NM_053027.4); c.2077T>C (NM_053025.3); short protein forms Y693H, Y517H, Y624H.
Identifiers: ClinVar variation 3730288 (VCV003730288.4).

ClinVar aggregate classification (germline): Uncertain significance. Review status: criteria provided, multiple submitters, no conflicts (2 of 4 stars). 3 submissions from 3 submitters: Uncertain significance (3). Last evaluated 2025-02-04.

Conditions:
Familial thoracic aortic aneurysm and aortic dissection (TAAD). Also called: Thoracic aortic aneurysms and dissections. Identifiers: Orphanet 91387, MedGen C4707243, MONDO:0019625.
Aortic aneurysm, familial thoracic 7 (AAT7). Also called: AORTIC DISSECTION, FAMILIAL, WITH OR WITHOUT AORTIC ANEURYSM. Identifiers: MedGen C3151077, MONDO:0013418, OMIM 613780.

gnomAD v4.1: 7 of 1,614,180 alleles (0.00043%); highest among the groups gnomAD compares: Admixed American, 0.0017%; no homozygotes.

Submissions (3):

Ambry Genetics
Classification: Uncertain significance for Familial thoracic aortic aneurysm and aortic dissection. Last evaluated: 2025-02-04. Review status: criteria provided, single submitter. Criteria: Ambry Variant Classification Scheme 2023. Collection method: clinical testing. Allele origin: germline.
Comment: The p.Y693H variant (also known as c.2077T>C), located in coding exon 12 of the MYLK gene, results from a T to C substitution at nucleotide position 2077. The tyrosine at codon 693 is replaced by histidine, an amino acid with similar properties. This amino acid position is conserved. In addition, this alteration is predicted to be deleterious by in silico analysis. Based on the available evidence, the clinical significance of this variant remains unclear.

Labcorp Genetics (formerly Invitae), Labcorp
Classification: Uncertain significance for Aortic aneurysm, familial thoracic 7. Last evaluated: 2024-12-15. Review status: criteria provided, single submitter. Criteria: Invitae Variant Classification Sherloc (09022015). Collection method: clinical testing. Allele origin: germline.
Comment: This sequence change replaces tyrosine, which is neutral and polar, with histidine, which is basic and polar, at codon 693 of the MYLK protein (p.Tyr693His). This variant is present in population databases (rs761540073, gnomAD 0.0009%). This variant has not been reported in the literature in individuals affected with MYLK-related conditions. Invitae Evidence Modeling of protein sequence and biophysical properties (such as structural, functional, and spatial information, amino acid conservation, physicochemical variation, residue mobility, and thermodynamic stability) indicates that this missense variant is not expected to disrupt MYLK protein function with a negative predictive value of 80%. In summary, the available evidence is currently insufficient to determine the role of this variant in disease. Therefore, it has been classified as a Variant of Uncertain Significance.

Blueprint Genetics
Classification: Uncertain significance. Last evaluated: 2021-03-11. Review status: criteria provided, single submitter. Criteria: ACMG Guidelines, 2015. Collection method: clinical testing. Allele origin: germline.